The following is an entry in ClinVar:

NM_000038.6(APC):c.532-10G>A

Gene: APC (APC regulator of Wnt signaling pathway; plus strand). Cytogenetic location: 5q22.2.
Variant type: single nucleotide variant.
Coding change: c.532-10G>A on transcript NM_000038.6 (MANE Select); 10 bases into the intron before coding-DNA position 532, G replaced by A.
Molecular consequence: intron variant.
Genome position (GRCh38, 1-based): chr5:112,780,780, G>A. VCF-style: chr5-112780780-G-A. GRCh37 (hg19) VCF-style: chr5-112116477-G-A.
Other names: c.532-10G>A (NM_001354895.2, NM_001127510.3, NM_001354896.2 and 2 more transcripts); c.562-10G>A (NM_001354897.2, NM_001354902.2, NM_001127511.3); c.457-10G>A (NM_001354898.2, NM_001354904.2); c.-504-10G>A (NM_001354906.2); c.355-10G>A (NM_001354900.2, NM_001354901.2, NM_001354905.2).
Identifiers: ClinVar variation 1634763 (VCV001634763.9), dbSNP rs2149638867, ClinGen allele CA2573138808.
Genomic context (GRCh38, chr5:112,780,780, plus strand): 5'-ATGCTTTTTTGCTTTTACTGATTAACGTAAATACAAGATATTGATACTTTTTTATTATTT[G>A]TGGTTTTAGTTTTCCTTACAAACAGATATGACCAGAAGGCAATTGGAATATGAAGCAAGG-3'

ClinVar aggregate classification (germline): Likely benign. Review status: criteria provided, multiple submitters, no conflicts (2 of 4 stars). 2 submissions from 2 submitters: Likely benign (2). Last evaluated 2024-02-23.

Conditions:
Familial adenomatous polyposis 1 (FAP1). Also called: POLYPOSIS, ADENOMATOUS INTESTINAL; FAMILIAL ADENOMATOUS POLYPOSIS 1, ATTENUATED. Identifiers: MedGen C2713442, MONDO:0021056, OMIM 175100. Disease mechanism: loss of function.

gnomAD v4.1: 1 of 1,563,816 alleles (0.000064%); no homozygotes.

Submissions (2):

Myriad Genetics, Inc.
Classification: Likely benign for Familial adenomatous polyposis 1. Last evaluated: 2024-02-23. Review status: criteria provided, single submitter. Criteria: Myriad Autosomal Dominant, Autosomal Recessive and X-Linked Classification Criteria (2023). Collection method: clinical testing. Allele origin: unknown.
Comment: This variant is considered likely benign. This variant is intronic and is not expected to impact mRNA splicing.

Labcorp Genetics (formerly Invitae), Labcorp
Classification: Likely benign for Familial adenomatous polyposis 1. Last evaluated: 2022-12-24. Review status: criteria provided, single submitter. Criteria: Invitae Variant Classification Sherloc (09022015). Collection method: clinical testing. Allele origin: germline.